The following is an entry in ClinVar:

NM_032043.3(BRIP1):c.2985A>G (p.Lys995=)

Gene: BRIP1 (BRCA1 interacting DNA helicase 1; minus strand). Cytogenetic location: 17q23.2.
Variant type: single nucleotide variant.
Coding change: c.2985A>G on transcript NM_032043.3 (MANE Select); coding-DNA position 2985, A replaced by G.
Protein change: p.Lys995=; no amino-acid change (lysine 995 retained).
Molecular consequence: synonymous variant.
Genome position (GRCh38, 1-based): chr17:61,684,061, T>C on the plus strand (A>G on the coding strand, the complement: BRIP1 is on the minus strand). VCF-style: chr17-61684061-T-C. GRCh37 (hg19) VCF-style: chr17-59761422-T-C.
Identifiers: ClinVar variation 1798428 (VCV001798428.4), dbSNP rs2144092326, ClinGen allele CA501143278.
Genomic context (GRCh38, chr17:61,684,061, plus strand): 5'-TTTACCAGTAAAATACTGTCCCAAAGAATTAAAGCTTGACCAGCTAACTCTCTTTGTTTG[T>C]TTGTTGAAAGTTGGGCTTGTGGATCTGGAAATCACAATTTTTTCTGCTTTCCCTGCTTCT-3'
Protein context (NP_114432.2, residues 985-1005): ISRSTSPTFN[Lys995=]QTKRVSWSSF

ClinVar aggregate classification (germline): Benign/Likely benign. Review status: criteria provided, multiple submitters, no conflicts (2 of 4 stars). 3 submissions from 3 submitters: Benign (1); Likely benign (2). Last evaluated 2024-12-10.

Conditions:
Hereditary cancer-predisposing syndrome. Also called: Neoplastic Syndromes, Hereditary; Tumor predisposition; Hereditary Cancer Syndrome; Hereditary neoplastic syndrome. Identifiers: Orphanet 140162, MedGen C0027672, MeSH D009386, MONDO:0015356.
Familial cancer of breast. Also called: BREAST CANCER, FAMILIAL; Hereditary breast cancer; hereditary breast carcinoma. Identifiers: Orphanet 227535, MedGen C0346153, MONDO:0016419, OMIM 114480. Disease mechanism: loss of function.

Submissions (3):

Color Diagnostics, LLC DBA Color Health
Classification: Likely benign for Hereditary cancer-predisposing syndrome. Last evaluated: 2024-12-10. Review status: criteria provided, single submitter. Criteria: ACMG Guidelines, 2015. Collection method: clinical testing. Allele origin: germline.

Myriad Genetics, Inc.
Classification: Benign for Familial cancer of breast. Last evaluated: 2024-09-09. Review status: criteria provided, single submitter. Criteria: Myriad Autosomal Dominant, Autosomal Recessive and X-Linked Classification Criteria (2023). Collection method: clinical testing. Allele origin: unknown.
Comment: This variant is considered benign. This variant is a silent/synonymous amino acid change and it is not expected to impact splicing.

Ambry Genetics
Classification: Likely benign for Hereditary cancer-predisposing syndrome. Last evaluated: 2020-02-06. Review status: criteria provided, single submitter. Criteria: Ambry Variant Classification Scheme 2023. Collection method: clinical testing. Allele origin: germline.